The following is an entry in ClinVar:

ClinVar aggregate classification (germline): Likely benign. Review status: criteria provided, multiple submitters, no conflicts (2 of 4 stars). 3 submissions from 3 submitters: Likely benign (3). Last evaluated 2023-05-23.

Conditions:
Hypertrophic cardiomyopathy. Also called: HYPERTROPHIC MYOCARDIOPATHY. Identifiers: Orphanet 217569, MedGen C0007194, MeSH D002312, MONDO:0005045, HP:0001639.
Cardiomyopathy (CMYO). Also called: Cardiomyopathies. Identifiers: Orphanet 167848, MedGen C0878544, MONDO:0004994, HP:0001638. Inheritance: Various modes of inheritance.

gnomAD v4.1: 13 of 1,610,934 alleles (0.00081%); highest among the groups gnomAD compares: Non-Finnish European, 0.001%; no homozygotes.

Submissions (3):

Labcorp Genetics (formerly Invitae), Labcorp
Classification: Likely benign for Hypertrophic cardiomyopathy. Last evaluated: 2023-05-23. Review status: criteria provided, single submitter. Criteria: Invitae Variant Classification Sherloc (09022015). Collection method: clinical testing. Allele origin: germline.

All of Us Research Program, National Institutes of Health
Classification: Likely benign for Hypertrophic cardiomyopathy. Last evaluated: 2023-05-16. Review status: criteria provided, single submitter. Criteria: ACMG Guidelines, 2015. Collection method: clinical testing. Allele origin: germline. Inheritance: Autosomal dominant inheritance. Observed: 1 variant allele, 1 heterozygote.
Comment: This study involves interpretation of variants in research participants for the purpose of population health screening. Participant phenotype was not available at the time of variant classification. Additional details can be found in publication PMID: 35346344, PMCID: PMC8962531

Color Diagnostics, LLC DBA Color Health
Classification: Likely benign for Cardiomyopathy. Last evaluated: 2019-01-31. Review status: criteria provided, single submitter. Criteria: ACMG Guidelines, 2015. Collection method: clinical testing. Allele origin: germline.

NM_000256.3(MYBPC3):c.1352-10G>A

Gene: MYBPC3 (myosin binding protein C3; minus strand). Cytogenetic location: 11p11.2.
Variant type: single nucleotide variant.
Coding change: c.1352-10G>A on transcript NM_000256.3 (MANE Select); 10 bases into the intron before coding-DNA position 1352, G replaced by A.
Molecular consequence: intron variant.
Genome position (GRCh38, 1-based): chr11:47,342,945, C>T on the plus strand (G>A on the coding strand, the complement: MYBPC3 is on the minus strand). VCF-style: chr11-47342945-C-T. GRCh37 (hg19) VCF-style: chr11-47364496-C-T.
Identifiers: ClinVar variation 920856 (VCV000920856.10), dbSNP rs745645848, ClinGen allele CA599374218.
Genomic context (GRCh38, chr11:47,342,945, plus strand): 5'-CCACCATCACCAGCTGGTCCTCCAAGGGGCGCGTGATGAGCACAGGGGGCTCTGTCCAGG[C>T]AGGGTGAGCATGAGGGTTGGCTCCCCTGAGGCCATCTCCTCCCCAGGTTCCCACATCCTC-3'